The following is an entry in ClinVar:

NM_032447.5(FBN3):c.8321G>A (p.Arg2774Gln)

Gene: FBN3 (fibrillin 3; minus strand). Cytogenetic location: 19p13.2.
Variant type: single nucleotide variant.
Coding change: c.8321G>A on transcript NM_032447.5 (MANE Select); coding-DNA position 8321, G replaced by A.
Protein change: p.Arg2774Gln; replaces arginine 2774 with glutamine.
Molecular consequence: missense variant.
Genome position (GRCh38, 1-based): chr19:8,066,028, C>T on the plus strand (G>A on the coding strand, the complement: FBN3 is on the minus strand). VCF-style: chr19-8066028-C-T. GRCh37 (hg19) VCF-style: chr19-8130912-C-T.
Other names: c.8321G>A, p.Arg2774Gln (NM_001321431.2); c.8321G>A (NM_032447.3); short protein forms R2774Q.
Identifiers: ClinVar variation 1098000 (VCV001098000.12), dbSNP rs139098536, ClinGen allele CA9150562.

ClinVar aggregate classification (germline): Likely benign. Review status: criteria provided, multiple submitters, no conflicts (2 of 4 stars). 4 submissions from 4 submitters: Likely benign (4). Last evaluated 2024-04-09.

Allele frequency attached by ClinVar (database versions not stated): 1000 Genomes Project 0.00020; ESP Exome Variant Server 0.00023; gnomAD 0.00025 and 0.00029; TOPMed 0.00030; 1000 Genomes Project 30x 0.00031.
gnomAD v4.1: 111 of 1,613,110 alleles (0.0069%); highest among the groups gnomAD compares: African/African-American, 0.077%; no homozygotes.

Submissions (4):

Labcorp Genetics (formerly Invitae), Labcorp
Classification: Likely benign. Last evaluated: 2024-04-09. Review status: criteria provided, single submitter. Criteria: Invitae Variant Classification Sherloc (09022015). Collection method: clinical testing. Allele origin: germline.

Ambry Genetics
Classification: Likely benign. Last evaluated: 2022-06-28. Review status: criteria provided, single submitter. Criteria: Ambry Variant Classification Scheme 2023. Collection method: clinical testing. Allele origin: germline.

Laboratorio de Genetica e Diagnostico Molecular, Hospital Israelita Albert Einstein
Classification: Likely benign. Last evaluated: 2019-12-15. Review status: criteria provided, single submitter. Criteria: ACMG Guidelines, 2015. Collection method: clinical testing. Allele origin: germline. Affected: yes.
Comment: ACMG classification criteria: PM2, BP1, BP4

Breakthrough Genomics
Classification: Likely benign. Review status: criteria provided, single submitter. Criteria: ACMG Guidelines, 2015. Collection method: not provided. Allele origin: germline. Inheritance: Unknown mechanism. Affected: yes.